The following is an entry in ClinVar:

ClinVar aggregate classification (germline): Uncertain significance (1 of 4 stars; one submission).

Submission:

Labcorp Genetics (formerly Invitae), Labcorp
Classification: Uncertain significance. Last evaluated: 2025-04-10. Review status: criteria provided, single submitter. Criteria: Invitae Variant Classification Sherloc (09022015). Collection method: clinical testing. Allele origin: germline.
Comment: This sequence change falls in intron 4 of the TNFRSF11A gene. It does not directly change the encoded amino acid sequence of the TNFRSF11A protein. It affects a nucleotide within the consensus splice site. This variant is not present in population databases (gnomAD no frequency). This variant has not been reported in the literature in individuals affected with TNFRSF11A-related conditions. ClinVar contains an entry for this variant (Variation ID: 2005330). Variants that disrupt the consensus splice site are a relatively common cause of aberrant splicing (PMID: 17576681, 9536098). Algorithms developed to predict the effect of sequence changes on RNA splicing suggest that this variant is not likely to affect RNA splicing. In summary, the available evidence is currently insufficient to determine the role of this variant in disease. Therefore, it has been classified as a Variant of Uncertain Significance.

Literature cited by the submitters: PubMed 17576681; PubMed 9536098.

NM_003839.4(TNFRSF11A):c.427+6G>A

Gene: TNFRSF11A (TNF receptor superfamily member 11a; plus strand). Cytogenetic location: 18q21.33.
Variant type: single nucleotide variant.
Coding change: c.427+6G>A on transcript NM_003839.4 (MANE Select); 6 bases into the intron after coding-DNA position 427, G replaced by A.
Molecular consequence: intron variant.
Genome position (GRCh38, 1-based): chr18:62,354,540, G>A. VCF-style: chr18-62354540-G-A. GRCh37 (hg19) VCF-style: chr18-60021773-G-A.
Other names: c.427+6G>A (NM_001270949.2, NM_001270950.2, NM_001270951.2 and 1 more transcripts).
Identifiers: ClinVar variation 2005330 (VCV002005330.4), dbSNP rs2511558956, ClinGen allele CA2580095986.